The following is an entry in ClinVar:

ClinVar aggregate classification (germline): Uncertain significance (1 of 4 stars; one submission).

Conditions:
Hereditary cancer-predisposing syndrome. Also called: Neoplastic Syndromes, Hereditary; Tumor predisposition; Hereditary Cancer Syndrome; Hereditary neoplastic syndrome. Identifiers: Orphanet 140162, MedGen C0027672, MeSH D009386, MONDO:0015356.

Submission:

Ambry Genetics
Classification: Uncertain significance for Hereditary cancer-predisposing syndrome. Last evaluated: 2023-12-13. Review status: criteria provided, single submitter. Criteria: Ambry Variant Classification Scheme 2023. Collection method: clinical testing. Allele origin: germline.
Comment: The p.L411H variant (also known as c.1232T>A), located in coding exon 5 of the AXIN2 gene, results from a T to A substitution at nucleotide position 1232. The leucine at codon 411 is replaced by histidine, an amino acid with similar properties. This amino acid position is not well conserved in available vertebrate species. In addition, this alteration is predicted to be tolerated by in silico analysis. Since supporting evidence is limited at this time, the clinical significance of this alteration remains unclear.

NM_004655.4(AXIN2):c.1232T>A (p.Leu411His)

Gene: AXIN2 (axin 2; minus strand). Cytogenetic location: 17q24.1.
Variant type: single nucleotide variant.
Coding change: c.1232T>A on transcript NM_004655.4 (MANE Select); coding-DNA position 1232, T replaced by A.
Protein change: p.Leu411His; replaces leucine 411 with histidine.
Molecular consequence: missense variant.
Genome position (GRCh38, 1-based): chr17:65,537,804, A>T on the plus strand (T>A on the coding strand, the complement: AXIN2 is on the minus strand). VCF-style: chr17-65537804-A-T. GRCh37 (hg19) VCF-style: chr17-63533922-A-T.
Other names: c.1232T>A, p.Leu411His (NM_001363813.1); short protein forms L411H.
Identifiers: ClinVar variation 1755955 (VCV001755955.2), dbSNP rs2509418281, ClinGen allele CA400677911.
Genomic context (GRCh38, chr17:65,537,804, plus strand): 5'-TAGCTGCCGGAGGGCAGTAGGGAGAGGGGGTGCTGCGTGGGCGCCCCCTCCCGCGAATTG[A>T]GTGTGAGCTCGGAGCCCTCTCTCTCTTCATCCTGAAAGGGAAGACGTCAGAAGGAGAAGT-3'
Protein context (NP_004646.3, residues 401-421): DEEREGSELT[Leu411His]NSREGAPTQH